The following is an entry in ClinVar:

NM_001184.4(ATR):c.1597A>G (p.Thr533Ala)

Gene: ATR (ATR checkpoint kinase; minus strand). Cytogenetic location: 3q23.
Variant type: single nucleotide variant.
Coding change: c.1597A>G on transcript NM_001184.4 (MANE Select); coding-DNA position 1597, A replaced by G.
Protein change: p.Thr533Ala; replaces threonine 533 with alanine.
Molecular consequence: missense variant.
Genome position (GRCh38, 1-based): chr3:142,559,386, T>C on the plus strand (A>G on the coding strand, the complement: ATR is on the minus strand). VCF-style: chr3-142559386-T-C. GRCh37 (hg19) VCF-style: chr3-142278228-T-C.
Other names: c.1405A>G, p.Thr469Ala (NM_001354579.2); short protein forms T533A, T469A.
Identifiers: ClinVar variation 1419816 (VCV001419816.8), dbSNP rs1248870932, ClinGen allele CA354822367.

ClinVar aggregate classification (germline): Uncertain significance (1 of 4 stars; one submission).

Allele frequency attached by ClinVar (database versions not stated): TOPMed below 0.00001; gnomAD 0.00001.

Submission:

Labcorp Genetics (formerly Invitae), Labcorp
Classification: Uncertain significance. Last evaluated: 2021-04-08. Review status: criteria provided, single submitter. Criteria: Invitae Variant Classification Sherloc (09022015). Collection method: clinical testing. Allele origin: germline.
Comment: This sequence change replaces threonine with alanine at codon 533 of the ATR protein (p.Thr533Ala). The threonine residue is moderately conserved and there is a small physicochemical difference between threonine and alanine. In summary, the available evidence is currently insufficient to determine the role of this variant in disease. Therefore, it has been classified as a Variant of Uncertain Significance. Algorithms developed to predict the effect of missense changes on protein structure and function (SIFT, PolyPhen-2, Align-GVGD) all suggest that this variant is likely to be tolerated, but these predictions have not been confirmed by published functional studies and their clinical significance is uncertain. This variant has not been reported in the literature in individuals with ATR-related conditions. This variant is not present in population databases (ExAC no frequency).